The following is an entry in ClinVar:

NM_001128205.2(SULF1):c.2578C>G (p.Leu860Val)

Gene: SULF1 (sulfatase 1; plus strand). Cytogenetic location: 8q13.3.
Variant type: single nucleotide variant.
Coding change: c.2578C>G on transcript NM_001128205.2 (MANE Select); coding-DNA position 2578, C replaced by G.
Protein change: p.Leu860Val; replaces leucine 860 with valine.
Molecular consequence: missense variant. On other transcripts: non-coding transcript variant (7), intron variant (8).
Genome position (GRCh38, 1-based): chr8:69,640,834, C>G. VCF-style: chr8-69640834-C-G. GRCh37 (hg19) VCF-style: chr8-70553069-C-G.
Other names: c.2578C>G, p.Leu860Val (NM_001128204.2, NM_001128206.2, NM_001412833.1 and 3 more transcripts); c.2521C>G, p.Leu841Val (NM_001412836.1, NM_001412837.1); c.2449C>G, p.Leu817Val (NM_001412838.1, NM_001412839.1, NM_001412840.1); c.2392C>G, p.Leu798Val (NM_001412841.1, NM_001412842.1); c.1978C>G, p.Leu660Val (NM_001412844.1, NM_001412845.1); c.2551+1976C>G (NM_001412828.1, NM_001412829.1, NM_001412830.1 and 1 more transcripts); c.*35+1976C>G (NM_001412851.1, NM_001412850.1); c.760+1976C>G (NM_001412846.1); and 1 more; short protein forms L817V, L841V, L860V, L660V, L798V.
Identifiers: ClinVar variation 3716344 (VCV003716344.2).

ClinVar aggregate classification (germline): Uncertain significance (1 of 4 stars; one submission).

gnomAD v4.1: 25 of 1,610,268 alleles (0.0016%); highest among the groups gnomAD compares: African/African-American, 0.0027%; no homozygotes.

Submission:

Labcorp Genetics (formerly Invitae), Labcorp
Classification: Uncertain significance. Last evaluated: 2024-06-04. Review status: criteria provided, single submitter. Criteria: Invitae Variant Classification Sherloc (09022015). Collection method: clinical testing. Allele origin: germline.
Comment: This sequence change replaces leucine, which is neutral and non-polar, with valine, which is neutral and non-polar, at codon 860 of the SULF1 protein (p.Leu860Val). This variant is present in population databases (rs554512980, gnomAD 0.004%). This variant has not been reported in the literature in individuals affected with SULF1-related conditions. An algorithm developed to predict the effect of missense changes on protein structure and function (PolyPhen-2) suggests that this variant is likely to be tolerated. In summary, the available evidence is currently insufficient to determine the role of this variant in disease. Therefore, it has been classified as a Variant of Uncertain Significance.